The following is an entry in ClinVar:

ClinVar aggregate classification (germline): Uncertain significance (1 of 4 stars; one submission).

gnomAD v4.1: 3 of 1,613,954 alleles (0.00019%); highest among the groups gnomAD compares: Non-Finnish European, 0.00025%; no homozygotes.

Submission:

Labcorp Genetics (formerly Invitae), Labcorp
Classification: Uncertain significance. Last evaluated: 2024-10-22. Review status: criteria provided, single submitter. Criteria: Invitae Variant Classification Sherloc (09022015). Collection method: clinical testing. Allele origin: germline.
Comment: This sequence change creates a premature translational stop signal (p.Glu775*) in the SAMD9 gene. While this is not anticipated to result in nonsense mediated decay, it is expected to disrupt the last 815 amino acid(s) of the SAMD9 protein. This variant is present in population databases (rs770783617, gnomAD 0.0009%). This variant has not been reported in the literature in individuals affected with SAMD9-related conditions. Experimental studies and prediction algorithms are not available or were not evaluated, and the functional significance of this variant is currently unknown. In summary, the available evidence is currently insufficient to determine the role of this variant in disease. Therefore, it has been classified as a Variant of Uncertain Significance.

NM_017654.4(SAMD9):c.2323G>T (p.Glu775Ter)

Gene: SAMD9 (sterile alpha motif domain containing 9; minus strand). Cytogenetic location: 7q21.2.
Variant type: single nucleotide variant.
Coding change: c.2323G>T on transcript NM_017654.4 (MANE Select); coding-DNA position 2323, G replaced by T.
Protein change: p.Glu775Ter; replaces glutamic acid 775 with a stop codon.
Molecular consequence: nonsense.
Genome position (GRCh38, 1-based): chr7:93,103,775, C>A on the plus strand (G>T on the coding strand, the complement: SAMD9 is on the minus strand). VCF-style: chr7-93103775-C-A. GRCh37 (hg19) VCF-style: chr7-92733088-C-A.
Other names: c.2323G>T, p.Glu775Ter (NM_001193307.2); short protein forms E775*.
Identifiers: ClinVar variation 3607910 (VCV003607910.2).